The following is an entry in ClinVar:

ClinVar aggregate classification (germline): Likely benign. Review status: reviewed by expert panel (3 of 4 stars). 3 submissions from 3 submitters: Likely benign (1). 2 of the submissions do not count toward it. Last evaluated 2023-11-13.

Conditions:
Inborn genetic diseases. Identifiers: MedGen C0950123, MeSH D030342.
Hereditary thrombocytopenia and hematologic cancer predisposition syndrome. Identifiers: Orphanet 71290, MedGen CN281654, MONDO:0011071.
Hereditary thrombocytopenia and hematological cancer predisposition syndrome associated with RUNX1. Also called: Familial Platelet Disorder with Propensity to Acute Myelogenous Leukemia; Familial thrombocytopenia with propensity to acute myelogenous leukemia; RUNX1 Familial Platelet Disorder with Associated Myeloid Malignancies; PLATELET DISORDER, ASPIRIN-LIKE. Identifiers: Orphanet 71290, MedGen C1832388, MeSH C563324, MONDO:0100083, OMIM 601399.

Submissions (3):

ClinGen Myeloid Malignancy Variant Curation Expert Panel
Classification: Likely benign for Hereditary thrombocytopenia and hematologic cancer predisposition syndrome. Last evaluated: 2023-11-13. Review status: reviewed by expert panel. Criteria: ClinGen MyeloMalig ACMG Specifications v2. Collection method: curation. Allele origin: germline. Inheritance: Autosomal dominant inheritance.
Comment: The c.294C>G (p.Leu98=) variant is a synonymous (silent) variant that is not predicted by SpliceAI to impact splicing (BP4); in addition, an evolutionary conservation algorithm predicts the site as being not highly conserved (PhyloP score = 1.16043 in GRCh38) (BP7). Although the variant is absent from from gnomAD v2 and v3 (PM2_Supporting), it also has not been reported in cases or the literature. In summary, this variant meets the criteria to be classified as likely benign for hereditary thrombocytopenia and hematologic cancer predisposition syndrome based on the ACMG/AMP criteria applied, as specified by the ClinGen Myeloid Malignancy VCEP: BP4, BP7, and PM2_Supporting.

Labcorp Genetics (formerly Invitae), Labcorp
Classification: Likely benign for Hereditary thrombocytopenia and hematological cancer predisposition syndrome associated with RUNX1. Last evaluated: 2025-05-27. Review status: criteria provided, single submitter. Criteria: Invitae Variant Classification Sherloc (09022015). Collection method: clinical testing. Allele origin: germline. Not counted in ClinVar's aggregate classification.

Ambry Genetics
Classification: Likely benign for Inborn genetic diseases. Last evaluated: 2024-11-25. Review status: criteria provided, single submitter. Criteria: Ambry Variant Classification Scheme 2023. Collection method: clinical testing. Allele origin: germline. Not counted in ClinVar's aggregate classification.

NM_001754.5(RUNX1):c.294C>G (p.Leu98=)

Gene: RUNX1 (RUNX family transcription factor 1; minus strand). Cytogenetic location: 21q22.12.
Variant type: single nucleotide variant.
Coding change: c.294C>G on transcript NM_001754.5 (MANE Select); coding-DNA position 294, C replaced by G.
Protein change: p.Leu98=; no amino-acid change (leucine 98 retained).
Molecular consequence: synonymous variant.
Genome position (GRCh38, 1-based): chr21:34,886,900, G>C on the plus strand (C>G on the coding strand, the complement: RUNX1 is on the minus strand). VCF-style: chr21-34886900-G-C. GRCh37 (hg19) VCF-style: chr21-36259197-G-C.
Other names: NM_001754.5(RUNX1):c.294C>G; p.Leu98=; c.213C>G, p.Leu71= (NM_001001890.3, NM_001122607.2).
Identifiers: ClinVar variation 532678 (VCV000532678.10), dbSNP rs1368531129, ClinGen allele CA512318850.